The following is an entry in ClinVar:

NM_000222.3(KIT):c.2263G>T (p.Ala755Ser)

Gene: KIT (KIT proto-oncogene, receptor tyrosine kinase; plus strand). Cytogenetic location: 4q12.
Variant type: single nucleotide variant.
Coding change: c.2263G>T on transcript NM_000222.3 (MANE Select); coding-DNA position 2263, G replaced by T.
Protein change: p.Ala755Ser; replaces alanine 755 with serine.
Molecular consequence: missense variant.
Genome position (GRCh38, 1-based): chr4:54,731,900, G>T. VCF-style: chr4-54731900-G-T. GRCh37 (hg19) VCF-style: chr4-55598066-G-T.
Other names: c.2251G>T, p.Ala751Ser (NM_001093772.2, NM_001385292.1); c.2266G>T, p.Ala756Ser (NM_001385284.1); c.2260G>T, p.Ala754Ser (NM_001385285.1); c.2248G>T, p.Ala750Ser (NM_001385286.1); c.2254G>T, p.Ala752Ser (NM_001385288.1); c.2263G>T, p.Ala755Ser (NM_001385290.1); short protein forms A751S, A755S, A750S, A752S, A754S, A756S.
Identifiers: ClinVar variation 956028 (VCV000956028.8), dbSNP rs201165084, ClinGen allele CA356910876.
Genomic context (GRCh38, chr4:54,731,900, plus strand): 5'-ATTGCTAAGAAAAATCCTCTCTTCCTCACAGGCTCATACATAGAAAGAGATGTGACTCCC[G>T]CCATCATGGAGGATGACGAGTTGGCCCTAGACTTAGAAGACTTGCTGAGCTTTTCTTACC-3'
Protein context (NP_000213.1, residues 745-765): GSYIERDVTP[Ala755Ser]IMEDDELALD

ClinVar aggregate classification (germline): Uncertain significance (1 of 4 stars; one submission).

Conditions:
Gastrointestinal stromal tumor. Also called: Gastrointestinal stromal tumor, somatic; Gastrointestinal stroma tumor. Identifiers: Orphanet 44890, MedGen C0238198, MeSH D046152, MONDO:0011719, OMIM 606764, HP:0100723.

gnomAD v4.1: 1 of 1,613,486 alleles (0.000062%); highest among the groups gnomAD compares: Non-Finnish European, 0.000085%; no homozygotes.

Submission:

Labcorp Genetics (formerly Invitae), Labcorp
Classification: Uncertain significance for Gastrointestinal stromal tumor. Last evaluated: 2024-04-20. Review status: criteria provided, single submitter. Criteria: Invitae Variant Classification Sherloc (09022015). Collection method: clinical testing. Allele origin: germline.
Comment: This sequence change replaces alanine, which is neutral and non-polar, with serine, which is neutral and polar, at codon 755 of the KIT protein (p.Ala755Ser). This variant is present in population databases (no rsID available, gnomAD 0.0009%). This variant has not been reported in the literature in individuals affected with KIT-related conditions. ClinVar contains an entry for this variant (Variation ID: 956028). An algorithm developed to predict the effect of missense changes on protein structure and function (PolyPhen-2) suggests that this variant is likely to be tolerated. In summary, the available evidence is currently insufficient to determine the role of this variant in disease. Therefore, it has been classified as a Variant of Uncertain Significance.